The following is an entry in ClinVar:

ClinVar aggregate classification (germline): Uncertain significance (1 of 4 stars; one submission).

Conditions:
T-cell immunodeficiency, congenital alopecia, and nail dystrophy. Also called: Congenital alopecia and nail dystrophy associated with severe functional T-cell immunodeficiency; Pignata Guarino syndrome. Identifiers: Orphanet 169095, MedGen C1866426, MONDO:0011132, OMIM 601705.

gnomAD v4.1: 28 of 1,613,892 alleles (0.0017%); highest among the groups gnomAD compares: Middle Eastern, 0.016%; no homozygotes.

Submission:

Labcorp Genetics (formerly Invitae), Labcorp
Classification: Uncertain significance for T-cell immunodeficiency, congenital alopecia, and nail dystrophy. Last evaluated: 2025-09-10. Review status: criteria provided, single submitter. Criteria: Invitae Variant Classification Sherloc (09022015). Collection method: clinical testing. Allele origin: germline.
Comment: This sequence change replaces aspartic acid, which is acidic and polar, with asparagine, which is neutral and polar, at codon 557 of the FOXN1 protein (p.Asp557Asn). This variant is present in population databases (rs768979426, gnomAD 0.009%). This variant has not been reported in the literature in individuals affected with FOXN1-related conditions. Invitae Evidence Modeling of protein sequence and biophysical properties (such as structural, functional, and spatial information, amino acid conservation, physicochemical variation, residue mobility, and thermodynamic stability) indicates that this missense variant is not expected to disrupt FOXN1 protein function with a negative predictive value of 80%. In summary, the available evidence is currently insufficient to determine the role of this variant in disease. Therefore, it has been classified as a Variant of Uncertain Significance.

NM_001369369.1(FOXN1):c.1669G>A (p.Asp557Asn)

Gene: FOXN1 (forkhead box N1; plus strand). Cytogenetic location: 17q11.2.
Variant type: single nucleotide variant.
Coding change: c.1669G>A on transcript NM_001369369.1 (MANE Select); coding-DNA position 1669, G replaced by A.
Protein change: p.Asp557Asn; replaces aspartic acid 557 with asparagine.
Molecular consequence: missense variant.
Genome position (GRCh38, 1-based): chr17:28,537,158, G>A. VCF-style: chr17-28537158-G-A. GRCh37 (hg19) VCF-style: chr17-26864176-G-A.
Other names: c.1669G>A, p.Asp557Asn (NM_003593.3); short protein forms D557N.
Identifiers: ClinVar variation 4736879 (VCV004736879.1).
Genomic context (GRCh38, chr17:28,537,158, plus strand): 5'-TCTCTCCTTCCCCATCTAGGAAACCTGTGGGAACAGTTGAAGGATGATAGCTTGGCCCTC[G>A]ACCCCCTGGTACTGGTGACCTCATCCCCGACATCATCTTCGATGCCACCACCCCAGCCAC-3'
Protein context (NP_001356298.1, residues 547-567): EQLKDDSLAL[Asp557Asn]PLVLVTSSPT